The following is an entry in ClinVar:

ClinVar aggregate classification (germline): Uncertain significance (1 of 4 stars; one submission).

gnomAD v4.1: 1 of 1,598,060 alleles (0.000063%); no homozygotes.

Submission:

Labcorp Genetics (formerly Invitae), Labcorp
Classification: Uncertain significance. Last evaluated: 2020-12-02. Review status: criteria provided, single submitter. Criteria: Invitae Variant Classification Sherloc (09022015). Collection method: clinical testing. Allele origin: germline.
Comment: This sequence change replaces glutamine with leucine at codon 202 of the SZT2 protein (p.Gln202Leu). The glutamine residue is weakly conserved and there is a moderate physicochemical difference between glutamine and leucine. This variant is not present in population databases (ExAC no frequency). This variant has not been reported in the literature in individuals with SZT2-related conditions. Algorithms developed to predict the effect of missense changes on protein structure and function are either unavailable or do not agree on the potential impact of this missense change (SIFT: "Deleterious"; PolyPhen-2: "Possibly Damaging"; Align-GVGD: "Class C0"). In summary, the available evidence is currently insufficient to determine the role of this variant in disease. Therefore, it has been classified as a Variant of Uncertain Significance.

NM_001365999.1(SZT2):c.605A>T (p.Gln202Leu)

Gene: SZT2 (SZT2 subunit of KICSTOR complex; plus strand). Cytogenetic location: 1p34.2.
Variant type: single nucleotide variant.
Coding change: c.605A>T on transcript NM_001365999.1 (MANE Select); coding-DNA position 605, A replaced by T.
Protein change: p.Gln202Leu; replaces glutamine 202 with leucine.
Molecular consequence: missense variant.
Genome position (GRCh38, 1-based): chr1:43,415,188, A>T. VCF-style: chr1-43415188-A-T. GRCh37 (hg19) VCF-style: chr1-43880859-A-T.
Other names: c.605A>T, p.Gln202Leu (NM_015284.4); short protein forms Q202L.
Identifiers: ClinVar variation 1429569 (VCV001429569.8), dbSNP rs2153931455, ClinGen allele CA340001162.